The following is an entry in ClinVar:

NM_032119.4(ADGRV1):c.16249G>A (p.Val5417Ile)

Gene: ADGRV1 (adhesion G protein-coupled receptor V1; plus strand). Cytogenetic location: 5q14.3.
Variant type: single nucleotide variant.
Coding change: c.16249G>A on transcript NM_032119.4 (MANE Select); coding-DNA position 16249, G replaced by A.
Protein change: p.Val5417Ile; replaces valine 5417 with isoleucine.
Molecular consequence: missense variant. On other transcripts: non-coding transcript variant (1).
Genome position (GRCh38, 1-based): chr5:90,823,477, G>A. VCF-style: chr5-90823477-G-A. GRCh37 (hg19) VCF-style: chr5-90119294-G-A.
Other names: short protein forms V5417I.
Identifiers: ClinVar variation 1017249 (VCV001017249.13), dbSNP rs375876245, ClinGen allele CA3342095.

ClinVar aggregate classification (germline): Conflicting classifications of pathogenicity. Review status: criteria provided, conflicting classifications (1 of 4 stars). 3 submissions from 3 submitters: Uncertain significance (2); Likely benign (1). Last evaluated 2025-03-17.

Conditions:
Inborn genetic diseases. Identifiers: MedGen C0950123, MeSH D030342.

Allele frequency attached by ClinVar (database versions not stated): TOPMed 0.00002; ESP Exome Variant Server 0.00008.
gnomAD v4.1: 155 of 1,613,782 alleles (0.0096%); highest among the groups gnomAD compares: Non-Finnish European, 0.012%; no homozygotes.

Submissions (3):

Labcorp Genetics (formerly Invitae), Labcorp
Classification: Likely benign. Last evaluated: 2025-03-17. Review status: criteria provided, single submitter. Criteria: Invitae Variant Classification Sherloc (09022015). Collection method: clinical testing. Allele origin: germline.

Ambry Genetics
Classification: Uncertain significance for Inborn genetic diseases. Last evaluated: 2024-10-09. Review status: criteria provided, single submitter. Criteria: Ambry Variant Classification Scheme 2023. Collection method: clinical testing. Allele origin: germline.

GeneDx
Classification: Uncertain significance. Last evaluated: 2019-01-04. Review status: criteria provided, single submitter. Criteria: GeneDx Variant Classification Process June 2021. Collection method: clinical testing. Allele origin: germline. Affected: yes.
Comment: Not observed at a significant frequency in large population cohorts (Lek et al., 2016); In silico analysis, which includes protein predictors and evolutionary conservation, supports that this variant does not alter protein structure/function; Has not been previously published as pathogenic or benign to our knowledge